The following is an entry in ClinVar:

ClinVar aggregate classification (germline): Uncertain significance (1 of 4 stars; one submission).

Allele frequency attached by ClinVar (database versions not stated): gnomAD 0.00001; gnomAD exomes 0.00001.
gnomAD v4.1: 4 of 1,611,088 alleles (0.00025%); highest among the groups gnomAD compares: Non-Finnish European, 0.00034%; no homozygotes.

Submission:

GeneDx
Classification: Uncertain significance. Last evaluated: 2016-07-18. Review status: criteria provided, single submitter. Criteria: GeneDx Variant Classification (06012015). Collection method: clinical testing. Allele origin: germline. Affected: yes.
Comment: The V1047L variant in the NIPBL gene has not been reported previously as a pathogenic variant, nor as a benign variant, to our knowledge. The V1047L variant was not observed in approximately 6500 individuals of European and African American ancestry in the NHLBI Exome Sequencing Project, indicating it is not a common benign variant in these populations. The V1047L variant is a conservative amino acid substitution, which is not likely to impact secondary protein structure as these residues share similar properties. This substitution occurs at a position that is conserved across species. In silico analysis is inconsistent in its predictions as to whether or not the variant is damaging to the protein structure/function. We interpret V1047L as a variant of uncertain significance.

NM_133433.4(NIPBL):c.3139G>T (p.Val1047Leu)

Gene: NIPBL (NIPBL cohesin loading factor; plus strand). Cytogenetic location: 5p13.2.
Variant type: single nucleotide variant.
Coding change: c.3139G>T on transcript NM_133433.4 (MANE Select); coding-DNA position 3139, G replaced by T.
Protein change: p.Val1047Leu; replaces valine 1047 with leucine.
Molecular consequence: missense variant.
Genome position (GRCh38, 1-based): chr5:36,995,639, G>T. VCF-style: chr5-36995639-G-T. GRCh37 (hg19) VCF-style: chr5-36995741-G-T.
Other names: c.3139G>T, p.Val1047Leu (NM_015384.5); short protein forms V1047L.
Identifiers: ClinVar variation 387704 (VCV000387704.2), dbSNP rs1057522878, ClinGen allele CA16604903.